The following is an entry in ClinVar:

ClinVar aggregate classification (germline): Likely benign. Review status: criteria provided, multiple submitters, no conflicts (2 of 4 stars). 2 submissions from 2 submitters: Likely benign (2). Last evaluated 2025-08-11.

Conditions:
Glycogen storage disease type III (GSD3). Also called: Cori disease; FORBES DISEASE. Identifiers: Orphanet 366, MedGen C0017922, MONDO:0009291, OMIM 232400.

Allele frequency attached by ClinVar (database versions not stated): gnomAD 0.00001; TOPMed 0.00001.
gnomAD v4.1: 2 of 1,613,768 alleles (0.00012%); highest among the groups gnomAD compares: African/African-American, 0.0027%; no homozygotes.

Submissions (2):

Labcorp Genetics (formerly Invitae), Labcorp
Classification: Likely benign for Glycogen storage disease type III. Last evaluated: 2025-08-11. Review status: criteria provided, single submitter. Criteria: Invitae Variant Classification Sherloc (09022015). Collection method: clinical testing. Allele origin: germline.

GeneDx
Classification: Likely benign. Last evaluated: 2018-05-11. Review status: criteria provided, single submitter. Criteria: GeneDx Variant Classification (06012015). Collection method: clinical testing. Allele origin: germline. Affected: yes.
Comment: This variant is considered likely benign or benign based on one or more of the following criteria: it is a conservative change, it occurs at a poorly conserved position in the protein, it is predicted to be benign by multiple in silico algorithms, and/or has population frequency not consistent with disease.

NM_000642.3(AGL):c.366A>G (p.Leu122=)

Gene: AGL (amylo-alpha-1,6-glucosidase and 4-alpha-glucanotransferase; plus strand). Cytogenetic location: 1p21.2.
Variant type: single nucleotide variant.
Coding change: c.366A>G on transcript NM_000642.3 (MANE Select); coding-DNA position 366, A replaced by G.
Protein change: p.Leu122=; no amino-acid change (leucine 122 retained).
Molecular consequence: synonymous variant.
Genome position (GRCh38, 1-based): chr1:99,862,329, A>G. VCF-style: chr1-99862329-A-G. GRCh37 (hg19) VCF-style: chr1-100327885-A-G.
Other names: c.366A>G, p.Leu122= (NM_000028.3, NM_000643.3, NM_000644.3 and 5 more transcripts); c.318A>G, p.Leu106= (NM_000646.3).
Identifiers: ClinVar variation 682374 (VCV000682374.2), dbSNP rs1386596170, ClinGen allele CA419095608.